The following is an entry in ClinVar:

NM_001367721.1(CASK):c.2576C>T (p.Ala859Val)

Gene: CASK (calcium/calmodulin dependent serine protein kinase; minus strand). Cytogenetic location: Xp11.4.
Variant type: single nucleotide variant.
Coding change: c.2576C>T on transcript NM_001367721.1 (MANE Select); coding-DNA position 2576, C replaced by T.
Protein change: p.Ala859Val; replaces alanine 859 with valine.
Molecular consequence: missense variant.
Genome position (GRCh38, 1-based): chrX:41,523,979, G>A on the plus strand (C>T on the coding strand, the complement: CASK is on the minus strand). VCF-style: chrX-41523979-G-A. GRCh37 (hg19) VCF-style: chrX-41383232-G-A.
Other names: c.2492C>T, p.Ala831Val (NM_001126054.3); c.2489C>T, p.Ala830Val (NM_001126055.3); c.2558C>T, p.Ala853Val (NM_001410745.1); c.2561C>T, p.Ala854Val (NM_003688.4); short protein forms A831V, A854V, A830V, A853V, A859V.
Identifiers: ClinVar variation 1970101 (VCV001970101.5), dbSNP rs1286483030, ClinGen allele CA412989111.

ClinVar aggregate classification (germline): Uncertain significance (1 of 4 stars; one submission).

Conditions:
Intellectual disability, CASK-related, X-linked. Identifiers: MedGen CN043158.

Submission:

Labcorp Genetics (formerly Invitae), Labcorp
Classification: Uncertain significance for Intellectual disability, CASK-related, X-linked. Last evaluated: 2022-07-06. Review status: criteria provided, single submitter. Criteria: Invitae Variant Classification Sherloc (09022015). Collection method: clinical testing. Allele origin: germline.
Comment: Algorithms developed to predict the effect of missense changes on protein structure and function (SIFT, PolyPhen-2, Align-GVGD) all suggest that this variant is likely to be disruptive. This variant has not been reported in the literature in individuals affected with CASK-related conditions. This variant is not present in population databases (gnomAD no frequency). This sequence change replaces alanine, which is neutral and non-polar, with valine, which is neutral and non-polar, at codon 854 of the CASK protein (p.Ala854Val). In summary, the available evidence is currently insufficient to determine the role of this variant in disease. Therefore, it has been classified as a Variant of Uncertain Significance.